The following is an entry in ClinVar:

ClinVar aggregate classification (germline): Likely pathogenic (1 of 4 stars; one submission).

Conditions:
Dilated cardiomyopathy 1G (CMD1G). Identifiers: Orphanet 154, MedGen C1858763, MONDO:0011400, OMIM 604145.
Autosomal recessive limb-girdle muscular dystrophy type 2J (LGMDR10). Also called: MUSCULAR DYSTROPHY, LIMB-GIRDLE, AUTOSOMAL RECESSIVE 10; Limb-girdle muscular dystrophy, type 2J. Identifiers: Orphanet 140922, MedGen C1837342, MONDO:0012127, OMIM 608807.

Submission:

Labcorp Genetics (formerly Invitae), Labcorp
Classification: Likely pathogenic for Dilated cardiomyopathy 1G; Autosomal recessive limb-girdle muscular dystrophy type 2J. Last evaluated: 2024-10-28. Review status: criteria provided, single submitter. Criteria: Invitae Variant Classification Sherloc (09022015). Collection method: clinical testing. Allele origin: germline.
Comment: This sequence change creates a premature translational stop signal (p.Tyr2689*) in the TTN gene. While this is not anticipated to result in nonsense mediated decay, it is expected to create a truncated TTN protein. This variant is not present in population databases (gnomAD no frequency). This variant has not been reported in the literature in individuals affected with TTN-related conditions. ClinVar contains an entry for this variant (Variation ID: 2005025). This variant is located in the I band of TTN (PMID: 25589632). Truncating variants in this region have been reported in individuals affected with autosomal recessive centronuclear myopathy (PMID: 23975875, internal data). Truncating variants in this region have also been identified in individuals affected with autosomal dominant dilated cardiomyopathy and/or cardio-related conditions (PMID: 27869827, 32964742, internal data). In summary, the currently available evidence indicates that the variant is pathogenic, but additional data are needed to prove that conclusively. Therefore, this variant has been classified as Likely Pathogenic.

Literature cited by the submitters: PubMed 25589632; PubMed 23975875; PubMed 27869827; PubMed 32964742.

NM_001267550.2(TTN):c.8067T>A (p.Tyr2689Ter)

Gene: TTN (titin; minus strand). Cytogenetic location: 2q31.2.
Variant type: single nucleotide variant.
Coding change: c.8067T>A on transcript NM_001267550.2 (MANE Select); coding-DNA position 8067, T replaced by A.
Protein change: p.Tyr2689Ter; replaces tyrosine 2689 with a stop codon.
Molecular consequence: nonsense.
Genome position (GRCh38, 1-based): chr2:178,771,260, A>T on the plus strand (T>A on the coding strand, the complement: TTN is on the minus strand). VCF-style: chr2-178771260-A-T. GRCh37 (hg19) VCF-style: chr2-179635987-A-T.
Other names: c.8067T>A, p.Tyr2689Ter (NM_001256850.1, NM_133378.4, NM_133379.5); c.7929T>A, p.Tyr2643Ter (NM_003319.4, NM_133432.3, NM_133437.4); short protein forms Y2689*, Y2643*.
Identifiers: ClinVar variation 2005025 (VCV002005025.4), dbSNP rs772918817, ClinGen allele CA349678362.